The following is an entry in ClinVar:

ClinVar aggregate classification (germline): Conflicting classifications of pathogenicity. Review status: criteria provided, conflicting classifications (1 of 4 stars). 3 submissions from 3 submitters: Uncertain significance (2); Likely benign (1). Last evaluated 2025-09-03.

Conditions:
Cardiovascular phenotype. Identifiers: MedGen CN230736.

Allele frequency attached by ClinVar (database versions not stated): TOPMed 0.00001; gnomAD 0.00002.
gnomAD v4.1: 51 of 1,550,236 alleles (0.0033%); highest among the groups gnomAD compares: Non-Finnish European, 0.0043%; no homozygotes.

Submissions (3):

Labcorp Genetics (formerly Invitae), Labcorp
Classification: Uncertain significance. Last evaluated: 2025-09-03. Review status: criteria provided, single submitter. Criteria: Invitae Variant Classification Sherloc (09022015). Collection method: clinical testing. Allele origin: germline.
Comment: This sequence change replaces glycine, which is neutral and non-polar, with tryptophan, which is neutral and slightly polar, at codon 1948 of the ZNF469 protein (p.Gly1948Trp). This variant is present in population databases (no rsID available, gnomAD 0.004%). This variant has not been reported in the literature in individuals affected with ZNF469-related conditions. ClinVar contains an entry for this variant (Variation ID: 1750028). An algorithm developed to predict the effect of missense changes on protein structure and function (PolyPhen-2) suggests that this variant is likely to be disruptive. In summary, the available evidence is currently insufficient to determine the role of this variant in disease. Therefore, it has been classified as a Variant of Uncertain Significance.

Ambry Genetics
Classification: Likely benign for Cardiovascular phenotype. Last evaluated: 2024-08-28. Review status: criteria provided, single submitter. Criteria: Ambry Variant Classification Scheme 2023. Collection method: clinical testing. Allele origin: germline.

GeneDx
Classification: Uncertain significance. Last evaluated: 2023-04-27. Review status: criteria provided, single submitter. Criteria: GeneDx Variant Classification Process June 2021. Collection method: clinical testing. Allele origin: germline. Affected: yes.
Comment: Not observed at significant frequency in large population cohorts (gnomAD); In silico analysis supports that this missense variant does not alter protein structure/function; Has not been previously published as pathogenic or benign to our knowledge

NM_001367624.2(ZNF469):c.5926G>T (p.Gly1976Trp)

Gene: ZNF469 (zinc finger protein 469; plus strand). Cytogenetic location: 16q24.2.
Variant type: single nucleotide variant.
Coding change: c.5926G>T on transcript NM_001367624.2 (MANE Select); coding-DNA position 5926, G replaced by T.
Protein change: p.Gly1976Trp; replaces glycine 1976 with tryptophan.
Molecular consequence: missense variant.
Genome position (GRCh38, 1-based): chr16:88,433,396, G>T. VCF-style: chr16-88433396-G-T. GRCh37 (hg19) VCF-style: chr16-88499804-G-T.
Other names: NM_001127464.1:c.5842G>T; short protein forms G1976W.
Identifiers: ClinVar variation 1750028 (VCV001750028.6), dbSNP rs1032679807, ClinGen allele CA286381034.